The following is an entry in ClinVar:

NM_005068.3(SIM1):c.2288C>A (p.Thr763Asn)

Gene: SIM1 (SIM bHLH transcription factor 1; minus strand). Cytogenetic location: 6q16.3.
Variant type: single nucleotide variant.
Coding change: c.2288C>A on transcript NM_005068.3 (MANE Select); coding-DNA position 2288, C replaced by A.
Protein change: p.Thr763Asn; replaces threonine 763 with asparagine.
Molecular consequence: missense variant.
Genome position (GRCh38, 1-based): chr6:100,390,374, G>T on the plus strand (C>A on the coding strand, the complement: SIM1 is on the minus strand). VCF-style: chr6-100390374-G-T. GRCh37 (hg19) VCF-style: chr6-100838250-G-T.
Other names: c.2288C>A, p.Thr763Asn (NM_001374769.1); short protein forms T763N.
Identifiers: ClinVar variation 4982812 (VCV004982812.1).
Genomic context (GRCh38, chr6:100,390,374, plus strand): 5'-AAATATGTTTCAGAGATCCTTAAAGAACAAAATATTTCAGCAAAACATCAGCTTCCGTTG[G>T]TTATTATAACAGATGTTCCCTTGTGTCCTTGTGCTGGGTCTGGTTGCATCCTCAGATGGG-3'
Protein context (NP_005059.2, residues 753-766): QGHKGTSVII[Thr763Asn]NGS

ClinVar aggregate classification (germline): Uncertain significance (1 of 4 stars; one submission).

Conditions:
SIM1-related disorder. Also called: SIM1-related disorders; SIM1-related condition.

Submission:

PreventionGenetics, part of Exact Sciences
Classification: Uncertain significance for SIM1-related condition. Last evaluated: 2025-08-17. Review status: criteria provided, single submitter. Criteria: ACMG Guidelines, 2015. Collection method: clinical testing. Allele origin: germline.
Comment: The SIM1 c.2288C>A variant is predicted to result in the amino acid substitution p.Thr763Asn. To our knowledge, this variant has not been reported in the literature or in a large population database (gnomAD), indicating this variant is rare. At this time, the clinical significance of this variant is uncertain due to the absence of conclusive functional and genetic evidence.